The following is an entry in ClinVar:

ClinVar aggregate classification (germline): Uncertain significance. Review status: criteria provided, multiple submitters, no conflicts (2 of 4 stars). 2 submissions from 2 submitters: Uncertain significance (2). Last evaluated 2026-09-18.

Conditions:
CEP290-related disorder. Also called: CEP290-related condition; CEP290-related disorders. Identifiers: MedGen CN239314.
Leber congenital amaurosis 10 (LCA10). Identifiers: Orphanet 65, MedGen C1857821, MONDO:0012723, OMIM 611755.
Meckel syndrome, type 4 (MKS4). Also called: MECKEL-GRUBER SYNDROME, TYPE 4. Identifiers: Orphanet 564, MedGen C1970161, MONDO:0012626, OMIM 611134.
Senior-Loken syndrome 6 (SLSN6). Identifiers: Orphanet 3156, MedGen C1857779, MONDO:0012433, OMIM 610189.
Joubert syndrome 5 (JBTS5). Identifiers: Orphanet 2318, MedGen C1857780, MONDO:0012432, OMIM 610188.
Bardet-Biedl syndrome 14 (BBS14). Identifiers: Orphanet 110, MedGen C2673874, MONDO:0014442, OMIM 615991.

gnomAD v4.1: 2 of 1,527,034 alleles (0.00013%); highest among the groups gnomAD compares: Non-Finnish European, 0.00017%; no homozygotes.

Submissions (2):

PreventionGenetics, part of Exact Sciences
Classification: Uncertain significance for CEP290-related condition. Last evaluated: 2026-09-18. Review status: criteria provided, single submitter. Criteria: ACMG Guidelines, 2015. Collection method: clinical testing. Allele origin: germline.
Comment: The CEP290 c.926A>C variant is predicted to result in the amino acid substitution p.Lys309Thr. To our knowledge, this variant has not been reported in the literature or in a large population database (gnomAD), indicating this variant is rare. At this time, the clinical significance of this variant is uncertain due to the absence of conclusive functional and genetic evidence.

Fulgent Genetics
Classification: Uncertain significance for Joubert syndrome 5; Senior-Loken syndrome 6; Meckel syndrome, type 4; Leber congenital amaurosis 10; Bardet-Biedl syndrome 14. Last evaluated: 2024-02-19. Review status: criteria provided, single submitter. Criteria: ACMG Guidelines, 2015. Collection method: clinical testing. Allele origin: germline.

NM_025114.4(CEP290):c.926A>C (p.Lys309Thr)

Gene: CEP290 (centrosomal protein 290; minus strand). Cytogenetic location: 12q21.32.
Variant type: single nucleotide variant.
Coding change: c.926A>C on transcript NM_025114.4 (MANE Select); coding-DNA position 926, A replaced by C.
Protein change: p.Lys309Thr; replaces lysine 309 with threonine.
Molecular consequence: missense variant.
Genome position (GRCh38, 1-based): chr12:88,128,962, T>G on the plus strand (A>C on the coding strand, the complement: CEP290 is on the minus strand). VCF-style: chr12-88128962-T-G. GRCh37 (hg19) VCF-style: chr12-88522739-T-G.
Other names: c.926A>C (NM_025114.3); short protein forms K309T.
Identifiers: ClinVar variation 3575482 (VCV003575482.2).